The following is an entry in ClinVar:

ClinVar aggregate classification (germline): Conflicting classifications of pathogenicity. Review status: criteria provided, conflicting classifications (1 of 4 stars). 2 submissions from 2 submitters: Uncertain significance (1); Likely benign (1). Last evaluated 2024-04-10.

Conditions:
Familial thoracic aortic aneurysm and aortic dissection (TAAD). Also called: Thoracic aortic aneurysms and dissections. Identifiers: Orphanet 91387, MedGen C4707243, MONDO:0019625.
Congenital contractural arachnodactyly (CCA). Also called: Arthrogryposis, distal, type 9; BEALS SYNDROME; Beals-Hecht syndrome. Identifiers: Orphanet 115, MedGen C0220668, MONDO:0007363, OMIM 121050.

Allele frequency attached by ClinVar (database versions not stated): gnomAD exomes 0.00001; TOPMed 0.00001.
gnomAD v4.1: 10 of 1,614,126 alleles (0.00062%); highest among the groups gnomAD compares: Non-Finnish European, 0.00076%; no homozygotes.

Submissions (2):

Ambry Genetics
Classification: Uncertain significance for Familial thoracic aortic aneurysm and aortic dissection. Last evaluated: 2024-04-10. Review status: criteria provided, single submitter. Criteria: Ambry Variant Classification Scheme 2023. Collection method: clinical testing. Allele origin: germline.
Comment: The c.1275A>T variant (also known as p.G425G), located in coding exon 10 of the FBN2 gene, results from an A to T substitution at nucleotide position 1275. This nucleotide substitution does not change the glycine at codon 425. This nucleotide position is poorly conserved in available vertebrate species. In silico splice site analysis for this alteration is inconclusive. Based on the available evidence, the clinical significance of this variant remains unclear.

Labcorp Genetics (formerly Invitae), Labcorp
Classification: Likely benign for Congenital contractural arachnodactyly. Last evaluated: 2022-03-19. Review status: criteria provided, single submitter. Criteria: Invitae Variant Classification Sherloc (09022015). Collection method: clinical testing. Allele origin: germline.

NM_001999.4(FBN2):c.1275A>T (p.Gly425=)

Gene: FBN2 (fibrillin 2; minus strand). Cytogenetic location: 5q23.3.
Variant type: single nucleotide variant.
Coding change: c.1275A>T on transcript NM_001999.4 (MANE Select); coding-DNA position 1275, A replaced by T.
Protein change: p.Gly425=; no amino-acid change (glycine 425 retained).
Molecular consequence: synonymous variant.
Genome position (GRCh38, 1-based): chr5:128,393,325, T>A on the plus strand (A>T on the coding strand, the complement: FBN2 is on the minus strand). VCF-style: chr5-128393325-T-A. GRCh37 (hg19) VCF-style: chr5-127729018-T-A.
Other names: c.1275A>T (NM_001999.3).
Identifiers: ClinVar variation 2141628 (VCV002141628.5), dbSNP rs1453858339, ClinGen allele CA446305914.